The following is an entry in ClinVar:

ClinVar aggregate classification (germline): Uncertain significance (1 of 4 stars; one submission).

Conditions:
Hypertrophic cardiomyopathy 2. Also called: TNNT2-Related Familial Hypertrophic Cardiomyopathy. Identifiers: MedGen C1861864, MONDO:0007266, OMIM 115195.
Dilated cardiomyopathy 1D. Identifiers: Orphanet 154, Orphanet 54260, MedGen C1832243, MONDO:0011095, OMIM 601494.
Cardiomyopathy, familial restrictive, 3. Identifiers: Orphanet 75249, MedGen C2676271, MONDO:0012900, OMIM 612422.

Submission:

Labcorp Genetics (formerly Invitae), Labcorp
Classification: Uncertain significance for Cardiomyopathy, familial restrictive, 3; Hypertrophic cardiomyopathy 2; Dilated cardiomyopathy 1D. Last evaluated: 2024-07-23. Review status: criteria provided, single submitter. Criteria: Invitae Variant Classification Sherloc (09022015). Collection method: clinical testing. Allele origin: germline.
Comment: This sequence change replaces glutamic acid, which is acidic and polar, with glycine, which is neutral and non-polar, at codon 35 of the TNNT2 protein (p.Glu35Gly). This variant is not present in population databases (gnomAD no frequency). This variant has not been reported in the literature in individuals affected with TNNT2-related conditions. Advanced modeling of protein sequence and biophysical properties (such as structural, functional, and spatial information, amino acid conservation, physicochemical variation, residue mobility, and thermodynamic stability) performed at Invitae indicates that this missense variant is expected to disrupt TNNT2 protein function with a positive predictive value of 95%. In summary, the available evidence is currently insufficient to determine the role of this variant in disease. Therefore, it has been classified as a Variant of Uncertain Significance.

NM_001276345.2(TNNT2):c.134A>G (p.Glu45Gly)

Gene: TNNT2 (troponin T2, cardiac type; minus strand). Cytogenetic location: 1q32.1.
Variant type: single nucleotide variant.
Coding change: c.134A>G on transcript NM_001276345.2 (MANE Select); coding-DNA position 134, A replaced by G.
Protein change: p.Glu45Gly; replaces glutamic acid 45 with glycine.
Molecular consequence: missense variant.
Genome position (GRCh38, 1-based): chr1:201,368,191, T>C on the plus strand (A>G on the coding strand, the complement: TNNT2 is on the minus strand). VCF-style: chr1-201368191-T-C. GRCh37 (hg19) VCF-style: chr1-201337319-T-C.
Other names: c.134A>G, p.Glu45Gly (NM_000364.4, NM_001276346.2, NM_001406723.1); c.104A>G, p.Glu35Gly (NM_001001430.3, NM_001001431.3, NM_001276347.2 and 4 more transcripts); c.89A>G, p.Glu30Gly (NM_001001432.3, NM_001406728.1); short protein forms E35G, E45G, E30G.
Identifiers: ClinVar variation 2932165 (VCV002932165.3), dbSNP rs2527080257, ClinGen allele CA088018.